The following is an entry in ClinVar:

ClinVar aggregate classification (germline): Uncertain significance. Review status: criteria provided, multiple submitters, no conflicts (2 of 4 stars). 5 submissions from 5 submitters: Uncertain significance (5). Last evaluated 2025-10-07.

Conditions:
Inborn genetic diseases. Identifiers: MedGen C0950123, MeSH D030342.
Charcot-Marie-Tooth disease. Also called: Charcot-Marie-Tooth Neuropathy; Charcot-Marie-Tooth Hereditary Neuropathy. Identifiers: Orphanet 166, MedGen C0007959, MONDO:0015626.
Charcot-Marie-Tooth disease type 4. Also called: Charcot-Marie-Tooth disease, type IV; Charcot-Marie-Tooth, Type 4. Identifiers: Orphanet 64749, MedGen C4082197, MONDO:0018995.

Allele frequency attached by ClinVar (database versions not stated): gnomAD exomes 0.00004; ExAC 0.00005; TOPMed 0.00006; gnomAD 0.00007; ESP Exome Variant Server 0.00008.
gnomAD v4.1: 72 of 1,613,466 alleles (0.0045%); highest among the groups gnomAD compares: Non-Finnish European, 0.0057%; no homozygotes.

Submissions (5):

Mayo Clinic Laboratories, Mayo Clinic
Classification: Uncertain significance. Last evaluated: 2025-10-07. Review status: criteria provided, single submitter. Criteria: ACMG Guidelines, 2015. Collection method: clinical testing. Allele origin: germline. Observed: 1 variant allele.

CeGaT Center for Human Genetics Tuebingen
Classification: Uncertain significance. Last evaluated: 2025-06-01. Review status: criteria provided, single submitter. Criteria: CeGaT Center For Human Genetics Tuebingen Variant Classification Criteria Version 2. Collection method: clinical testing. Allele origin: germline. Affected: yes. Observed: 1 variant allele.
Comment: FIG4: PM2

Labcorp Genetics (formerly Invitae), Labcorp
Classification: Uncertain significance for Charcot-Marie-Tooth disease type 4. Last evaluated: 2023-10-13. Review status: criteria provided, single submitter. Criteria: Invitae Variant Classification Sherloc (09022015). Collection method: clinical testing. Allele origin: germline.
Comment: This sequence change replaces threonine, which is neutral and polar, with isoleucine, which is neutral and non-polar, at codon 714 of the FIG4 protein (p.Thr714Ile). This variant is present in population databases (rs146689226, gnomAD 0.01%). This variant has not been reported in the literature in individuals affected with FIG4-related conditions. ClinVar contains an entry for this variant (Variation ID: 839068). An algorithm developed to predict the effect of missense changes on protein structure and function (PolyPhen-2) suggests that this variant¬†is likely to be tolerated. In summary, the available evidence is currently insufficient to determine the role of this variant in disease. Therefore, it has been classified as a Variant of Uncertain Significance.

Ambry Genetics
Classification: Uncertain significance for Inborn genetic diseases. Last evaluated: 2022-08-15. Review status: criteria provided, single submitter. Criteria: Ambry Variant Classification Scheme 2023. Collection method: clinical testing. Allele origin: germline.
Comment: The p.T714I variant (also known as c.2141C>T), located in coding exon 19 of the FIG4 gene, results from a C to T substitution at nucleotide position 2141. The threonine at codon 714 is replaced by isoleucine, an amino acid with similar properties. This amino acid position is highly conserved in available vertebrate species. In addition, this alteration is predicted to be deleterious by in silico analysis. Since supporting evidence is limited at this time, the clinical significance of this alteration remains unclear.

Molecular Genetics Laboratory, London Health Sciences Centre
Classification: Uncertain significance for Charcot-Marie-Tooth disease. Review status: criteria provided, single submitter. Criteria: ACMG Guidelines, 2015. Collection method: clinical testing. Allele origin: germline. Affected: yes.

NM_014845.6(FIG4):c.2141C>T (p.Thr714Ile)

Gene: FIG4 (FIG4 phosphoinositide 5-phosphatase; plus strand). Cytogenetic location: 6q21.
Variant type: single nucleotide variant.
Coding change: c.2141C>T on transcript NM_014845.6 (MANE Select); coding-DNA position 2141, C replaced by T.
Protein change: p.Thr714Ile; replaces threonine 714 with isoleucine.
Molecular consequence: missense variant.
Genome position (GRCh38, 1-based): chr6:109,789,638, C>T. VCF-style: chr6-109789638-C-T. GRCh37 (hg19) VCF-style: chr6-110110841-C-T.
Other names: p.Thr714Ile; short protein forms T714I.
Identifiers: ClinVar variation 839068 (VCV000839068.17), dbSNP rs146689226, ClinGen allele CA3956296.